The following is an entry in ClinVar:

NM_002772.3(TMPRSS15):c.215C>T (p.Pro72Leu)

Gene: TMPRSS15 (transmembrane serine protease 15; minus strand). Cytogenetic location: 21q21.1.
Variant type: single nucleotide variant.
Coding change: c.215C>T on transcript NM_002772.3 (MANE Select); coding-DNA position 215, C replaced by T.
Protein change: p.Pro72Leu; replaces proline 72 with leucine.
Molecular consequence: missense variant.
Genome position (GRCh38, 1-based): chr21:18,398,260, G>A on the plus strand (C>T on the coding strand, the complement: TMPRSS15 is on the minus strand). VCF-style: chr21-18398260-G-A. GRCh37 (hg19) VCF-style: chr21-19770577-G-A.
Other names: c.215C>T (NM_002772.2); short protein forms P72L.
Identifiers: ClinVar variation 2045448 (VCV002045448.3), dbSNP rs149508033, ClinGen allele CA9984830.

ClinVar aggregate classification (germline): Uncertain significance. Review status: criteria provided, single submitter (1 of 4 stars). 2 submissions from 2 submitters: Uncertain significance (1). 1 of the submissions does not count toward it. Last evaluated 2022-03-15.

Conditions:
TMPRSS15-related disorder. Also called: TMPRSS15-related condition.

Allele frequency attached by ClinVar (database versions not stated): gnomAD exomes 0.00003; ExAC 0.00014; 1000 Genomes Project 30x 0.00016; 1000 Genomes Project 0.00020; ESP Exome Variant Server 0.00023; gnomAD 0.00038; TOPMed 0.00042.
gnomAD v4.1: 106 of 1,613,800 alleles (0.0066%); highest among the groups gnomAD compares: African/African-American, 0.13%; no homozygotes.

Submissions (2):

Labcorp Genetics (formerly Invitae), Labcorp
Classification: Uncertain significance. Last evaluated: 2022-03-15. Review status: criteria provided, single submitter. Criteria: Invitae Variant Classification Sherloc (09022015). Collection method: clinical testing. Allele origin: germline.
Comment: This sequence change replaces proline, which is neutral and non-polar, with leucine, which is neutral and non-polar, at codon 72 of the TMPRSS15 protein (p.Pro72Leu). This variant is present in population databases (rs149508033, gnomAD 0.1%). This variant has not been reported in the literature in individuals affected with TMPRSS15-related conditions. Algorithms developed to predict the effect of missense changes on protein structure and function output the following: SIFT: "Not Available"; PolyPhen-2: "Benign"; Align-GVGD: "Not Available". The leucine amino acid residue is found in multiple mammalian species, which suggests that this missense change does not adversely affect protein function. In summary, the available evidence is currently insufficient to determine the role of this variant in disease. Therefore, it has been classified as a Variant of Uncertain Significance.

PreventionGenetics, part of Exact Sciences
Classification: Likely benign for TMPRSS15-related condition. Last evaluated: 2022-03-11. Review status: no assertion criteria provided. Collection method: clinical testing. Allele origin: germline. Not counted in ClinVar's aggregate classification.
Comment: This variant is classified as likely benign based on ACMG/AMP sequence variant interpretation guidelines (Richards et al. 2015 PMID: 25741868, with internal and published modifications).